The following is an entry in ClinVar:

NM_002087.4(GRN):c.215C>T (p.Ser72Phe)

Gene: GRN (granulin precursor; plus strand). Cytogenetic location: 17q21.31.
Variant type: single nucleotide variant.
Coding change: c.215C>T on transcript NM_002087.4 (MANE Select); coding-DNA position 215, C replaced by T.
Protein change: p.Ser72Phe; replaces serine 72 with phenylalanine.
Molecular consequence: missense variant.
Genome position (GRCh38, 1-based): chr17:44,349,502, C>T. VCF-style: chr17-44349502-C-T. GRCh37 (hg19) VCF-style: chr17-42426870-C-T.
Other names: short protein forms S72F.
Identifiers: ClinVar variation 1713441 (VCV001713441.5), dbSNP rs2510054532, ClinGen allele CA399759860.

ClinVar aggregate classification (germline): Uncertain significance (1 of 4 stars; one submission).

Conditions:
GRN-related frontotemporal lobar degeneration with Tdp43 inclusions (FTD2). Also called: DEMENTIA, HEREDITARY DYSPHASIC DISINHIBITION; FRONTOTEMPORAL LOBAR DEGENERATION WITH UBIQUITIN-POSITIVE INCLUSIONS; FTLD-TDP, GRN-RELATED; GRN Frontotemporal Dementia; FRONTOTEMPORAL DEMENTIA WITH TDP43 INCLUSIONS, GRN-RELATED. Identifiers: Orphanet 100070, Orphanet 282, MedGen C1843792, MONDO:0011842, OMIM 607485. Disease mechanism: loss of function.
Neuronal ceroid lipofuscinosis 11. Also called: GRN-Related Neuronal Ceroid-Lipofuscinosis. Identifiers: Orphanet 314629, Orphanet 79262, MedGen C3539123, MONDO:0013866, OMIM 614706.

Submission:

Labcorp Genetics (formerly Invitae), Labcorp
Classification: Uncertain significance for Neuronal ceroid lipofuscinosis 11; GRN-related frontotemporal lobar degeneration with Tdp43 inclusions. Last evaluated: 2023-12-01. Review status: criteria provided, single submitter. Criteria: Invitae Variant Classification Sherloc (09022015). Collection method: clinical testing. Allele origin: germline.
Comment: This sequence change replaces serine, which is neutral and polar, with phenylalanine, which is neutral and non-polar, at codon 72 of the GRN protein (p.Ser72Phe). This variant is not present in population databases (gnomAD no frequency). This variant has not been reported in the literature in individuals affected with GRN-related conditions. ClinVar contains an entry for this variant (Variation ID: 1713441). An algorithm developed to predict the effect of missense changes on protein structure and function (PolyPhen-2) suggests that this variant is likely to be disruptive. In summary, the available evidence is currently insufficient to determine the role of this variant in disease. Therefore, it has been classified as a Variant of Uncertain Significance.